The following is an entry in ClinVar:

NM_139057.4(ADAMTS17):c.2987T>C (p.Val996Ala)

Gene: ADAMTS17 (ADAM metallopeptidase with thrombospondin type 1 motif 17; minus strand). Cytogenetic location: 15q26.3.
Variant type: single nucleotide variant.
Coding change: c.2987T>C on transcript NM_139057.4 (MANE Select); coding-DNA position 2987, T replaced by C.
Protein change: p.Val996Ala; replaces valine 996 with alanine.
Molecular consequence: missense variant.
Genome position (GRCh38, 1-based): chr15:99,976,185, A>G on the plus strand (T>C on the coding strand, the complement: ADAMTS17 is on the minus strand). VCF-style: chr15-99976185-A-G. GRCh37 (hg19) VCF-style: chr15-100516390-A-G.
Other names: short protein forms V996A.
Identifiers: ClinVar variation 1974901 (VCV001974901.5), dbSNP rs1242899242, ClinGen allele CA393692850.

ClinVar aggregate classification (germline): Uncertain significance (1 of 4 stars; one submission).

Allele frequency attached by ClinVar (database versions not stated): gnomAD 0.00001; gnomAD exomes 0.00001; TOPMed 0.00002.
gnomAD v4.1: 8 of 1,549,384 alleles (0.00052%); highest among the groups gnomAD compares: African/African-American, 0.0014%; no homozygotes.

Submission:

Labcorp Genetics (formerly Invitae), Labcorp
Classification: Uncertain significance. Last evaluated: 2022-08-20. Review status: criteria provided, single submitter. Criteria: Invitae Variant Classification Sherloc (09022015). Collection method: clinical testing. Allele origin: germline.
Comment: This sequence change replaces valine, which is neutral and non-polar, with alanine, which is neutral and non-polar, at codon 996 of the ADAMTS17 protein (p.Val996Ala). In summary, the available evidence is currently insufficient to determine the role of this variant in disease. Therefore, it has been classified as a Variant of Uncertain Significance. Algorithms developed to predict the effect of missense changes on protein structure and function are either unavailable or do not agree on the potential impact of this missense change (SIFT: "Not Available"; PolyPhen-2: "Probably Damaging"; Align-GVGD: "Not Available"). This variant has not been reported in the literature in individuals affected with ADAMTS17-related conditions. This variant is present in population databases (no rsID available, gnomAD 0.01%).